The following is an entry in ClinVar:

NM_014956.5(CEP164):c.1858C>G (p.Gln620Glu)

Gene: CEP164 (centrosomal protein 164; plus strand). Cytogenetic location: 11q23.3.
Variant type: single nucleotide variant.
Coding change: c.1858C>G on transcript NM_014956.5 (MANE Select); coding-DNA position 1858, C replaced by G.
Protein change: p.Gln620Glu; replaces glutamine 620 with glutamic acid.
Molecular consequence: missense variant. On other transcripts: intron variant (6).
Genome position (GRCh38, 1-based): chr11:117,387,336, C>G. VCF-style: chr11-117387336-C-G. GRCh37 (hg19) VCF-style: chr11-117258052-C-G.
Other names: c.1867C>G, p.Gln623Glu (NM_001271933.2, NM_001440949.1); c.1858C>G, p.Gln620Glu (NM_001440950.1, NM_001440951.1, NM_001440953.1); c.1693C>G, p.Gln565Glu (NM_001440952.1, NM_001440968.1, NM_001440969.1); c.1780C>G, p.Gln594Glu (NM_001440954.1, NM_001440955.1, NM_001440958.1 and 1 more transcripts); c.1771C>G, p.Gln591Glu (NM_001440956.1, NM_001440957.1); c.1729C>G, p.Gln577Glu (NM_001440960.1); c.1720C>G, p.Gln574Glu (NM_001440961.1, NM_001440967.1); c.1711C>G, p.Gln571Glu (NM_001440962.1, NM_001440963.1, NM_001440964.1 and 4 more transcripts); and 7 more; short protein forms Q567E, Q574E, Q545E, Q571E, Q623E, Q577E, Q594E, Q565E.
Identifiers: ClinVar variation 4985839 (VCV004985839.1).

ClinVar aggregate classification (germline): Uncertain significance (1 of 4 stars; one submission).

Conditions:
CEP164-related disorder. Also called: CEP164-related condition.

Submission:

PreventionGenetics, part of Exact Sciences
Classification: Uncertain significance for CEP164-related condition. Last evaluated: 2025-04-16. Review status: criteria provided, single submitter. Criteria: ACMG Guidelines, 2015. Collection method: clinical testing. Allele origin: germline.
Comment: The CEP164 c.1858C>G variant is predicted to result in the amino acid substitution p.Gln620Glu. To our knowledge, this variant has not been reported in the literature or in a large population database (gnomAD), indicating this variant is rare. At this time, the clinical significance of this variant is uncertain due to the absence of conclusive functional and genetic evidence.